The following is an entry in ClinVar:

NM_000135.4(FANCA):c.1275C>G (p.Asp425Glu)

Gene: FANCA (FA complementation group A; minus strand). Cytogenetic location: 16q24.3.
Variant type: single nucleotide variant.
Coding change: c.1275C>G on transcript NM_000135.4 (MANE Select); coding-DNA position 1275, C replaced by G.
Protein change: p.Asp425Glu; replaces aspartic acid 425 with glutamic acid.
Molecular consequence: missense variant.
Genome position (GRCh38, 1-based): chr16:89,791,487, G>C on the plus strand (C>G on the coding strand, the complement: FANCA is on the minus strand). VCF-style: chr16-89791487-G-C. GRCh37 (hg19) VCF-style: chr16-89857895-G-C.
Other names: c.1275C>G, p.Asp425Glu (NM_001286167.3); short protein forms D425E.
Identifiers: ClinVar variation 4843011 (VCV004843011.1).
Genomic context (GRCh38, chr16:89,791,487, plus strand): 5'-GAACGCAGAGGGGCCCTCCAGTGCTGCCTGGCGCACAACCAGGAACGCAGTGACCATGCT[G>C]TCCAGCTGGCAGCTCTCGAATGCCTGGGCCATCAAACGCGCCACCCAGTCTAGTTAAGAA-3'
Protein context (NP_000126.2, residues 415-435): MAQAFESCQL[Asp425Glu]SMVTAFLVVR

ClinVar aggregate classification (germline): Uncertain significance (1 of 4 stars; one submission).

Conditions:
Inborn genetic diseases. Identifiers: MedGen C0950123, MeSH D030342.

Submission:

Ambry Genetics
Classification: Uncertain significance for Inborn genetic diseases. Last evaluated: 2025-12-18. Review status: criteria provided, single submitter. Criteria: Ambry Variant Classification Scheme 2023. Collection method: clinical testing. Allele origin: germline.
Comment: The p.D425E variant (also known as c.1275C>G), located in coding exon 14 of the FANCA gene, results from a C to G substitution at nucleotide position 1275. The aspartic acid at codon 425 is replaced by glutamic acid, an amino acid with highly similar properties. This amino acid position is conserved. In addition, this alteration is predicted to be tolerated by in silico analysis. Based on the available evidence, the clinical significance of this variant remains unclear.